The following is an entry in ClinVar:

NM_053025.4(MYLK):c.5525G>A (p.Trp1842Ter)

Genes: MYLK (myosin light chain kinase; minus strand), MYLK-AS1 (MYLK antisense RNA 1; plus strand). Cytogenetic location: 3q21.1.
Variant type: single nucleotide variant.
Coding change: c.5525G>A on transcript NM_053025.4 (MANE Select); coding-DNA position 5525, G replaced by A.
Protein change: p.Trp1842Ter; replaces tryptophan 1842 with a stop codon.
Molecular consequence: nonsense.
Genome position (GRCh38, 1-based): chr3:123,614,325, C>T on the plus strand (G>A on the coding strand, the complement: MYLK is on the minus strand). VCF-style: chr3-123614325-C-T. GRCh37 (hg19) VCF-style: chr3-123333172-C-T.
Other names: c.4997G>A, p.Trp1666Ter (NM_001321309.2); c.5318G>A, p.Trp1773Ter (NM_053026.4); c.5372G>A, p.Trp1791Ter (NM_053027.4); c.5165G>A, p.Trp1722Ter (NM_053028.4); c.242G>A, p.Trp81Ter (NM_053031.4); c.245G>A, p.Trp82Ter (NM_053032.4); short protein forms W1773*, W82*, W1722*, W81*, W1791*, W1842*, W1666*.
Identifiers: ClinVar variation 3646138 (VCV003646138.2).

ClinVar aggregate classification (germline): Uncertain significance (1 of 4 stars; one submission).

Conditions:
Aortic aneurysm, familial thoracic 7 (AAT7). Also called: AORTIC DISSECTION, FAMILIAL, WITH OR WITHOUT AORTIC ANEURYSM. Identifiers: MedGen C3151077, MONDO:0013418, OMIM 613780.

Submission:

Labcorp Genetics (formerly Invitae), Labcorp
Classification: Uncertain significance for Aortic aneurysm, familial thoracic 7. Last evaluated: 2024-03-16. Review status: criteria provided, single submitter. Criteria: Invitae Variant Classification Sherloc (09022015). Collection method: clinical testing. Allele origin: germline.
Comment: This sequence change creates a premature translational stop signal (p.Trp1842*) in the MYLK gene. While this is not anticipated to result in nonsense mediated decay, it is expected to disrupt the last 73 amino acid(s) of the MYLK protein. This variant is not present in population databases (gnomAD no frequency). This variant has not been reported in the literature in individuals affected with MYLK-related conditions. This variant disrupts a region of the MYLK protein in which other variant(s) (p.Ala1884Thr) have been observed in individuals with MYLK-related conditions (PMID: 29543232). This suggests that this is a clinically significant region of the protein, and that variants that disrupt it are likely to be disease-causing. In summary, the available evidence is currently insufficient to determine the role of this variant in disease. Therefore, it has been classified as a Variant of Uncertain Significance.

Literature cited by the submitters: PubMed 29543232.